The following is an entry in ClinVar:

ClinVar aggregate classification (germline): Uncertain significance (1 of 4 stars; one submission).

Submission:

Labcorp Genetics (formerly Invitae), Labcorp
Classification: Uncertain significance. Last evaluated: 2024-02-24. Review status: criteria provided, single submitter. Criteria: Invitae Variant Classification Sherloc (09022015). Collection method: clinical testing. Allele origin: germline.
Comment: This sequence change replaces cysteine, which is neutral and slightly polar, with arginine, which is basic and polar, at codon 522 of the ARSG protein (p.Cys522Arg). This variant is not present in population databases (gnomAD no frequency). This variant has not been reported in the literature in individuals affected with ARSG-related conditions. ClinVar contains an entry for this variant (Variation ID: 1993632). An algorithm developed to predict the effect of missense changes on protein structure and function (PolyPhen-2) suggests that this variant is likely to be disruptive. In summary, the available evidence is currently insufficient to determine the role of this variant in disease. Therefore, it has been classified as a Variant of Uncertain Significance.

NM_001267727.2(ARSG):c.1564T>C (p.Cys522Arg)

Genes: ARSG (arylsulfatase G; plus strand), PRKAR1A (protein kinase cAMP-dependent type I regulatory subunit alpha; plus strand). Cytogenetic location: 17q24.2.
Variant type: single nucleotide variant.
Coding change: c.1564T>C on transcript NM_001267727.2 (MANE Select); coding-DNA position 1564, T replaced by C.
Protein change: p.Cys522Arg; replaces cysteine 522 with arginine.
Molecular consequence: missense variant. On other transcripts: intron variant (3).
Genome position (GRCh38, 1-based): chr17:68,420,449, T>C. VCF-style: chr17-68420449-T-C. GRCh37 (hg19) VCF-style: chr17-66416590-T-C.
Other names: c.-7+6654T>C (NM_001278433.2); c.1564T>C, p.Cys522Arg (NM_001352899.2, NM_001352900.2, NM_001352901.2 and 2 more transcripts); c.1561T>C, p.Cys521Arg (NM_001352903.2, NM_001352904.2, NM_001352905.2 and 2 more transcripts); c.1303+18999T>C (NM_001352910.2); c.1255+18999T>C (NM_001352909.2); short protein forms C522R, C521R.
Identifiers: ClinVar variation 1993632 (VCV001993632.4), dbSNP rs1388231577, ClinGen allele CA400749386.